The following is an entry in ClinVar:

NM_005592.4(MUSK):c.2517G>C (p.Trp839Cys)

Gene: MUSK (muscle associated receptor tyrosine kinase; plus strand). Cytogenetic location: 9q31.3.
Variant type: single nucleotide variant.
Coding change: c.2517G>C on transcript NM_005592.4 (MANE Select); coding-DNA position 2517, G replaced by C.
Protein change: p.Trp839Cys; replaces tryptophan 839 with cysteine.
Molecular consequence: missense variant.
Genome position (GRCh38, 1-based): chr9:110,800,895, G>C. VCF-style: chr9-110800895-G-C. GRCh37 (hg19) VCF-style: chr9-113563175-G-C.
Other names: c.2259G>C, p.Trp753Cys (NM_001166280.2); c.2229G>C, p.Trp743Cys (NM_001166281.2); c.1257G>C, p.Trp419Cys (NM_001369398.1); short protein forms W743C, W419C, W753C, W839C.
Identifiers: ClinVar variation 640198 (VCV000640198.9), dbSNP rs1011593420, ClinGen allele CA198363972.

ClinVar aggregate classification (germline): Uncertain significance (1 of 4 stars; one submission).

Conditions:
Fetal akinesia deformation sequence 1 (FADS1). Also called: Pena-Shokeir syndrome type I; Fetal akinesia sequence. Identifiers: Orphanet 994, MedGen C1276035, MONDO:0100101, OMIM 208150, HP:0001989.
Congenital myasthenic syndrome 9. Also called: Myasthenic syndrome, congenital, 9, associated with acetylcholine receptor deficiency. Identifiers: Orphanet 590, MedGen C4225368, MONDO:0014587, OMIM 616325.

Allele frequency attached by ClinVar (database versions not stated): gnomAD exomes below 0.00001; TOPMed 0.00002.
gnomAD v4.1: 2 of 1,558,642 alleles (0.00013%); highest among the groups gnomAD compares: African/African-American, 0.0014%; no homozygotes.

Submission:

Labcorp Genetics (formerly Invitae), Labcorp
Classification: Uncertain significance for Congenital myasthenic syndrome 9; Fetal akinesia deformation sequence 1. Last evaluated: 2018-11-06. Review status: criteria provided, single submitter. Criteria: Invitae Variant Classification Sherloc (09022015). Collection method: clinical testing. Allele origin: germline.
Comment: This sequence change replaces tryptophan with cysteine at codon 839 of the MUSK protein (p.Trp839Cys). The tryptophan residue is highly conserved and there is a large physicochemical difference between tryptophan and cysteine. This variant is not present in population databases (ExAC no frequency). In summary, the available evidence is currently insufficient to determine the role of this variant in disease. Therefore, it has been classified as a Variant of Uncertain Significance. Algorithms developed to predict the effect of missense changes on protein structure and function are either unavailable or do not agree on the potential impact of this missense change (SIFT: "Deleterious"; PolyPhen-2: "Probably Damaging"; Align-GVGD: "Class C0"). This variant has not been reported in the literature in individuals with MUSK-related disease.